The following is an entry in ClinVar:

ClinVar aggregate classification (germline): Uncertain significance (1 of 4 stars; one submission).

Conditions:
Brugada syndrome. Also called: Sudden unexpected nocturnal death syndrome; Sudden Unexplained Death Syndrome; Sudden unexplained nocturnal death syndrome; Sudden Unexplained Nocturnal Death Syndrome (SUNDS). Identifiers: Orphanet 130, MedGen C1142166, MONDO:0015263.

Submission:

Labcorp Genetics (formerly Invitae), Labcorp
Classification: Uncertain significance for Brugada syndrome. Last evaluated: 2025-03-19. Review status: criteria provided, single submitter. Criteria: Invitae Variant Classification Sherloc (09022015). Collection method: clinical testing. Allele origin: germline.
Comment: This sequence change affects codon 561 of the SCN10A mRNA. It is a 'silent' change, meaning that it does not change the encoded amino acid sequence of the SCN10A protein. This variant is not present in population databases (gnomAD no frequency). This variant has not been reported in the literature in individuals affected with SCN10A-related conditions. Algorithms developed to predict the effect of sequence changes on RNA splicing suggest that this variant may create or strengthen a splice site. In summary, the available evidence is currently insufficient to determine the role of this variant in disease. Therefore, it has been classified as a Variant of Uncertain Significance.

NM_006514.4(SCN10A):c.1683C>T (p.Asp561=)

Gene: SCN10A (sodium voltage-gated channel alpha subunit 10; minus strand). Cytogenetic location: 3p22.2.
Variant type: single nucleotide variant.
Coding change: c.1683C>T on transcript NM_006514.4 (MANE Select); coding-DNA position 1683, C replaced by T.
Protein change: p.Asp561=; no amino-acid change (aspartic acid 561 retained).
Molecular consequence: synonymous variant. On other transcripts: intron variant (1).
Genome position (GRCh38, 1-based): chr3:38,752,291, G>A on the plus strand (C>T on the coding strand, the complement: SCN10A is on the minus strand). VCF-style: chr3-38752291-G-A. GRCh37 (hg19) VCF-style: chr3-38793782-G-A.
Other names: c.1683C>T, p.Asp561= (NM_001293306.2); c.1462-2107C>T (NM_001293307.2).
Identifiers: ClinVar variation 4696183 (VCV004696183.1).